The following is an entry in ClinVar:

ClinVar aggregate classification (germline): Uncertain significance (1 of 4 stars; one submission).

Conditions:
Bloom syndrome (BLM). Also called: Bloom-Torre-Machacek syndrome. Identifiers: Orphanet 125, MedGen C0005859, MONDO:0008876, OMIM 210900.

Submission:

Labcorp Genetics (formerly Invitae), Labcorp
Classification: Uncertain significance for Bloom syndrome. Last evaluated: 2022-07-02. Review status: criteria provided, single submitter. Criteria: Invitae Variant Classification Sherloc (09022015). Collection method: clinical testing. Allele origin: germline.
Comment: This variant results in a copy number gain of the genomic region encompassing exon(s) 22 of the BLM gene. This region includes the termination codon of the gene. This copy number gain extends beyond the assayed region for this gene and therefore may encompass additional genes. As the precise location of this event is unknown, it may be in tandem or it may be located elsewhere in the genome. This variant has not been reported in the literature in individuals affected with BLM-related conditions. In summary, the available evidence is currently insufficient to determine the role of this variant in disease. Therefore, it has been classified as a Variant of Uncertain Significance.

NC_000015.9:g.(?_91358322)_(91358509_?)dup

Gene: BLM (BLM RecQ like helicase; plus strand). Cytogenetic location: 15q26.1.
Variant type: Duplication.
Identifiers: ClinVar variation 2422263 (VCV002422263.4).